The following is an entry in ClinVar:

NM_001128425.2(MUTYH):c.193C>T (p.Pro65Ser)

Gene: MUTYH (mutY DNA glycosylase; minus strand). Cytogenetic location: 1p34.1.
Variant type: single nucleotide variant.
Coding change: c.193C>T on transcript NM_001128425.2 (MANE Plus Clinical); coding-DNA position 193, C replaced by T.
Protein change: p.Pro65Ser; replaces proline 65 with serine.
Molecular consequence: missense variant. On other transcripts: intron variant (10).
Genome position (GRCh38, 1-based): chr1:45,333,568, G>A on the plus strand (C>T on the coding strand, the complement: MUTYH is on the minus strand). VCF-style: chr1-45333568-G-A. GRCh37 (hg19) VCF-style: chr1-45799240-G-A.
Other names: c.142C>T, p.Pro48Ser (NM_001293191.2); c.184C>T, p.Pro62Ser (NM_012222.3); c.-92-71C>T (NM_001350651.2); c.-97-71C>T (NM_001293192.2, NM_001293196.2); c.-156-7C>T (NM_001350650.2); c.116-7C>T (NM_001048171.2, NM_001048173.2, NM_001048174.2 and 1 more transcripts); c.158-4C>T (NM_001293190.2); c.116-4C>T (NM_001048172.2); short protein forms P65S, P48S, P62S.
Identifiers: ClinVar variation 464707 (VCV000464707.10), dbSNP rs1553130504, ClinGen allele CA340136750.
Genomic context (GRCh38, chr1:45,333,568, plus strand): 5'-GGTATGAGGAGACAGAGGCCTGCAATACCACCTCTTCCGGCTGCCTGGCCAGGCCTGCTG[G>A]GGCCCCAGGACACTCAGCAATCATCCCTGCACAGGCTGTGCATCAGGGTCTTGGGACACA-3'
Protein context (NP_001121897.1, residues 55-75): AGMIAECPGA[Pro65Ser]AGLARQPEEV

ClinVar aggregate classification (germline): Uncertain significance (1 of 4 stars; one submission).

Conditions:
Familial adenomatous polyposis 2. Also called: COLORECTAL ADENOMATOUS POLYPOSIS, AUTOSOMAL RECESSIVE; ADENOMAS, MULTIPLE COLORECTAL, AUTOSOMAL RECESSIVE; MUTYH-associated polyposis; FAP type 2; MUTYH-related attenuated familial adenomatous polyposis; Adenomas, multiple colorectal. Identifiers: Orphanet 220460, Orphanet 247798, MedGen C3272841, MONDO:0012041, OMIM 608456.

Submission:

Labcorp Genetics (formerly Invitae), Labcorp
Classification: Uncertain significance for Familial adenomatous polyposis 2. Last evaluated: 2024-11-03. Review status: criteria provided, single submitter. Criteria: Invitae Variant Classification Sherloc (09022015). Collection method: clinical testing. Allele origin: germline.
Comment: This sequence change replaces proline, which is neutral and non-polar, with serine, which is neutral and polar, at codon 65 of the MUTYH protein (p.Pro65Ser). This variant is not present in population databases (gnomAD no frequency). This variant has not been reported in the literature in individuals affected with MUTYH-related conditions. ClinVar contains an entry for this variant (Variation ID: 464707). An algorithm developed to predict the effect of missense changes on protein structure and function outputs the following: PolyPhen-2: "Benign". The serine amino acid residue is found in multiple mammalian species, which suggests that this missense change does not adversely affect protein function. In summary, the available evidence is currently insufficient to determine the role of this variant in disease. Therefore, it has been classified as a Variant of Uncertain Significance.